The following is an entry in ClinVar:

NM_024757.5(EHMT1):c.1577C>T (p.Thr526Ile)

Genes: EHMT1 (euchromatic histone lysine methyltransferase 1; plus strand), LOC130003148 (ATAC-STARR-seq lymphoblastoid active region 29369; plus strand). Cytogenetic location: 9q34.3.
Variant type: single nucleotide variant.
Coding change: c.1577C>T on transcript NM_024757.5 (MANE Select); coding-DNA position 1577, C replaced by T.
Protein change: p.Thr526Ile; replaces threonine 526 with isoleucine.
Molecular consequence: missense variant.
Genome position (GRCh38, 1-based): chr9:137,762,750, C>T. VCF-style: chr9-137762750-C-T. GRCh37 (hg19) VCF-style: chr9-140657202-C-T.
Other names: c.1577C>T, p.Thr526Ile (NM_001145527.2, NM_001354611.2); c.1484C>T, p.Thr495Ile (NM_001354259.2, NM_001354612.2); c.1556C>T, p.Thr519Ile (NM_001354263.2); short protein forms T495I, T519I, T526I.
Identifiers: ClinVar variation 4742080 (VCV004742080.1).

ClinVar aggregate classification (germline): Uncertain significance (1 of 4 stars; one submission).

Conditions:
Kleefstra syndrome 1 (KLEFS1). Identifiers: Orphanet 261494, MedGen C0795833, MONDO:0027407, OMIM 610253.

Submission:

Labcorp Genetics (formerly Invitae), Labcorp
Classification: Uncertain significance for Kleefstra syndrome 1. Last evaluated: 2025-05-27. Review status: criteria provided, single submitter. Criteria: Invitae Variant Classification Sherloc (09022015). Collection method: clinical testing. Allele origin: germline.
Comment: This sequence change replaces threonine, which is neutral and polar, with isoleucine, which is neutral and non-polar, at codon 526 of the EHMT1 protein (p.Thr526Ile). This variant is not present in population databases (gnomAD no frequency). This variant has not been reported in the literature in individuals affected with EHMT1-related conditions. Invitae Evidence Modeling of protein sequence and biophysical properties (such as structural, functional, and spatial information, amino acid conservation, physicochemical variation, residue mobility, and thermodynamic stability) indicates that this missense variant is not expected to disrupt EHMT1 protein function with a negative predictive value of 80%. In summary, the available evidence is currently insufficient to determine the role of this variant in disease. Therefore, it has been classified as a Variant of Uncertain Significance.